The following is an entry in ClinVar:

NM_001943.5(DSG2):c.3318A>C (p.Arg1106Ser)

Genes: DSG2 (desmoglein 2; plus strand), DSG2-AS1 (DSG2 antisense RNA 1; minus strand). Cytogenetic location: 18q12.1.
Variant type: single nucleotide variant.
Coding change: c.3318A>C on transcript NM_001943.5 (MANE Select); coding-DNA position 3318, A replaced by C.
Protein change: p.Arg1106Ser; replaces arginine 1106 with serine.
Molecular consequence: missense variant.
Genome position (GRCh38, 1-based): chr18:31,546,704, A>C. VCF-style: chr18-31546704-A-C. GRCh37 (hg19) VCF-style: chr18-29126667-A-C.
Other names: short protein forms R1106S.
Identifiers: ClinVar variation 808382 (VCV000808382.17), dbSNP rs1598827838, ClinGen allele CA402149413.
Genomic context (GRCh38, chr18:31,546,704, plus strand): 5'-AGATTTTGGTTTAGAGGAATCTGGTCATTCTAATTCTACCATAACCACATCTTCCACCAG[A>C]GTTACCAAGCATAGCACTGTACAGCATTCTTACTCCTAAACAGCAGTCAGCCACAAACTG-3'
Protein context (NP_001934.2, residues 1096-1116): SNSTITTSST[Arg1106Ser]VTKHSTVQHS

ClinVar aggregate classification (germline): Uncertain significance. Review status: criteria provided, multiple submitters, no conflicts (2 of 4 stars). 2 submissions from 2 submitters: Uncertain significance (2). Last evaluated 2024-03-07.

Conditions:
Arrhythmogenic right ventricular cardiomyopathy (ARVD). Also called: Cardiomyopathy, ARVC; Arrhythmogenic right ventricular dysplasia; Arrhythmogenic cardiomyopathy; Arrhythmogenic Right Ventricular Cardiomyopathy (ARVC). Identifiers: Orphanet 247, MedGen C0349788, MeSH D019571, MONDO:0016587. Disease mechanism: loss of function. Inheritance: Various modes of inheritance.
Cardiomyopathy (CMYO). Also called: Cardiomyopathies. Identifiers: Orphanet 167848, MedGen C0878544, MONDO:0004994, HP:0001638. Inheritance: Various modes of inheritance.

gnomAD v4.1: 3 of 1,614,226 alleles (0.00019%); highest among the groups gnomAD compares: Non-Finnish European, 0.00017%; no homozygotes.

Submissions (2):

Color Diagnostics, LLC DBA Color Health
Classification: Uncertain significance for Cardiomyopathy. Last evaluated: 2024-03-07. Review status: criteria provided, single submitter. Criteria: ACMG Guidelines, 2015. Collection method: clinical testing. Allele origin: germline.
Comment: This missense variant replaces arginine with serine at codon 1106 of the DSG2 protein. Computational prediction suggests that this variant may not impact protein structure and function (internally defined REVEL score threshold <= 0.5, PMID: 27666373). To our knowledge, functional studies have not been reported for this variant. This variant has not been reported in individuals affected with DSG2-related disorders in the literature. This variant has not been identified in the general population by the Genome Aggregation Database (gnomAD). The available evidence is insufficient to determine the role of this variant in disease conclusively. Therefore, this variant is classified as a Variant of Uncertain Significance.

All of Us Research Program, National Institutes of Health
Classification: Uncertain significance for Arrhythmogenic right ventricular cardiomyopathy. Last evaluated: 2023-07-10. Review status: criteria provided, single submitter. Criteria: ACMG Guidelines, 2015. Collection method: clinical testing. Allele origin: germline. Inheritance: Autosomal dominant inheritance. Observed: 1 variant allele, 1 heterozygote.
Comment: This missense variant replaces arginine with serine at codon 1106 of the DSG2 protein. Computational prediction suggests that this variant may not impact protein structure and function (internally defined REVEL score threshold <= 0.5, PMID: 27666373). Splice site prediction tools suggest that this variant may not impact RNA splicing. To our knowledge, functional studies have not been performed for this variant. This variant has not been reported in individuals affected with cardiovascular disorders in the literature. This variant has not been identified in the general population by the Genome Aggregation Database (gnomAD). The available evidence is insufficient to determine the role of this variant in disease conclusively. Therefore, this variant is classified as a Variant of Uncertain Significance.

This study involves interpretation of variants in research participants for the purpose of population health screening. Participant phenotype was not available at the time of variant classification. Additional details can be found in publication PMID: 35346344, PMCID: PMC8962531